The following is an entry in ClinVar:

ClinVar aggregate classification (germline): Uncertain significance (1 of 4 stars; one submission).

Conditions:
Developmental and epileptic encephalopathy, 42 (DEE42A). Also called: Epileptic encephalopathy, early infantile, 42; DEVELOPMENTAL AND EPILEPTIC ENCEPHALOPATHY 42A; EPILEPTIC ENCEPHALOPATHY, EARLY INFANTILE, 42A. Identifiers: MedGen C4310716, MONDO:0014917, OMIM 617106.
Episodic ataxia type 2 (EA2). Also called: ACETAZOLAMIDE-RESPONSIVE HEREDITARY PAROXYSMAL CEREBELLAR ATAXIA; ATAXIA, EPISODIC, WITH NYSTAGMUS; ATAXIA, FAMILIAL PAROXYSMAL; CEREBELLAR ATAXIA, PAROXYSMAL, ACETAZOLAMIDE-RESPONSIVE; CEREBELLOPATHY, HEREDITARY PAROXYSMAL; EPISODIC ATAXIA, NYSTAGMUS-ASSOCIATED. Identifiers: Orphanet 97, MedGen C1720416, MONDO:0007163, OMIM 108500.
Spinocerebellar ataxia type 6 (SCA6). Identifiers: Orphanet 98758, MedGen C0752124, MONDO:0008457, OMIM 183086.
Migraine, familial hemiplegic, 1. Also called: MIGRAINE, FAMILIAL HEMIPLEGIC 1, WITH PROGRESSIVE CEREBELLAR ATAXIA. Identifiers: Orphanet 569, MedGen C1832884, MONDO:0020756, OMIM 141500, MONDO:0007714.

Submission:

Labcorp Genetics (formerly Invitae), Labcorp
Classification: Uncertain significance for Developmental and epileptic encephalopathy, 42; Episodic ataxia type 2. Last evaluated: 2020-07-24. Review status: criteria provided, single submitter. Criteria: Invitae Variant Classification Sherloc (09022015). Collection method: clinical testing. Allele origin: germline.
Comment: This variant is not present in population databases (ExAC no frequency). This sequence change replaces isoleucine with valine at codon 1603 of the CACNA1A protein (p.Ile1603Val). The isoleucine residue is moderately conserved and there is a small physicochemical difference between isoleucine and valine. Advanced modeling of protein sequence and biophysical properties (such as structural, functional, and spatial information, amino acid conservation, physicochemical variation, residue mobility, and thermodynamic stability) performed at Invitae indicates that this missense variant is not expected to disrupt CACNA1A protein function. In summary, the available evidence is currently insufficient to determine the role of this variant in disease. Therefore, it has been classified as a Variant of Uncertain Significance. This variant has not been reported in the literature in individuals with CACNA1A-related conditions.

NM_001127222.2(CACNA1A):c.4804A>G (p.Ile1602Val)

Gene: CACNA1A (calcium voltage-gated channel subunit alpha1 A; minus strand). Cytogenetic location: 19p13.13.
Variant type: single nucleotide variant.
Coding change: c.4804A>G on transcript NM_001127222.2 (MANE Select); coding-DNA position 4804, A replaced by G.
Protein change: p.Ile1602Val; replaces isoleucine 1602 with valine.
Molecular consequence: missense variant.
Genome position (GRCh38, 1-based): chr19:13,253,053, T>C on the plus strand (A>G on the coding strand, the complement: CACNA1A is on the minus strand). VCF-style: chr19-13253053-T-C. GRCh37 (hg19) VCF-style: chr19-13363867-T-C.
Other names: c.4807A>G (NM_001127221.1); c.4816A>G, p.Ile1606Val (NM_000068.4, NM_023035.3); c.4807A>G, p.Ile1603Val (NM_001127221.2, NM_001174080.2); short protein forms I1602V, I1603V, I1606V.
Identifiers: ClinVar variation 1000651 (VCV001000651.11), dbSNP rs2056444576, ClinGen allele CA404338191.